The following is an entry in ClinVar:

NM_006576.4(AVIL):c.1761G>A (p.Glu587=)

Gene: AVIL (advillin; minus strand). Cytogenetic location: 12q14.1.
Variant type: single nucleotide variant.
Coding change: c.1761G>A on transcript NM_006576.4 (MANE Select); coding-DNA position 1761, G replaced by A.
Protein change: p.Glu587=; no amino-acid change (glutamic acid 587 retained).
Molecular consequence: synonymous variant.
Genome position (GRCh38, 1-based): chr12:57,803,580, C>T on the plus strand (G>A on the coding strand, the complement: AVIL is on the minus strand). VCF-style: chr12-57803580-C-T. GRCh37 (hg19) VCF-style: chr12-58197363-C-T.
Identifiers: ClinVar variation 4871943 (VCV004871943.2).
Genomic context (GRCh38, chr12:57,803,580, plus strand): 5'-ATACCTTTTATCATTGGCATAGGGAGTTTTCCCTCCCAGTAGGTCCCAGAACTCGGCTGG[C>T]TCCTGGCCCTCGGCCACAGTGTTCTCGCTGCCATCACAGAGAAGGCTGGCCAGCTCCTTA-3'
Protein context (NP_006567.3, residues 577-597): GSENTVAEGQ[Glu587=]PAEFWDLLGG

ClinVar aggregate classification (germline): Benign (1 of 4 stars; one submission).

gnomAD v4.1: 16,370 of 1,614,176 alleles (1%); highest among the groups gnomAD compares: Non-Finnish European, 1.3%; 104 homozygotes.

Submission:

CeGaT Center for Human Genetics Tuebingen
Classification: Benign. Last evaluated: 2026-06-01. Review status: criteria provided, single submitter. Criteria: CeGaT Center For Human Genetics Tuebingen Variant Classification Criteria Version 2. Collection method: clinical testing. Allele origin: germline. Affected: yes. Observed: 1 variant allele.
Comment: AVIL: BP4, BP7, BS1, BS2